The following is an entry in ClinVar:

ClinVar aggregate classification (germline): Uncertain significance (1 of 4 stars; one submission).

Conditions:
TTN-related disorder. Also called: TTN-related disorders; TTN-related condition; TTN-related disease.

gnomAD v4.1: 2 of 1,607,218 alleles (0.00012%); highest among the groups gnomAD compares: Admixed American, 0.0017%; no homozygotes.

Submission:

PreventionGenetics, part of Exact Sciences
Classification: Uncertain significance for TTN-related condition. Last evaluated: 2026-02-19. Review status: criteria provided, single submitter. Criteria: ACMG Guidelines, 2015. Collection method: clinical testing. Allele origin: germline.
Comment: The TTN c.88319T>C variant is predicted to result in the amino acid substitution p.Ile29440Thr. To our knowledge, this variant has not been reported in the literature or in a large population database (gnomAD), indicating this variant is rare. At this time, the clinical significance of this variant is uncertain due to the absence of conclusive functional and genetic evidence.

NM_001267550.2(TTN):c.88319T>C (p.Ile29440Thr)

Genes: TTN (titin; minus strand), TTN-AS1 (TTN antisense RNA 1; plus strand). Cytogenetic location: 2q31.2.
Variant type: single nucleotide variant.
Coding change: c.88319T>C on transcript NM_001267550.2 (MANE Select); coding-DNA position 88319, T replaced by C.
Protein change: p.Ile29440Thr; replaces isoleucine 29440 with threonine.
Molecular consequence: missense variant.
Genome position (GRCh38, 1-based): chr2:178,555,140, A>G on the plus strand (T>C on the coding strand, the complement: TTN is on the minus strand). VCF-style: chr2-178555140-A-G. GRCh37 (hg19) VCF-style: chr2-179419867-A-G.
Other names: c.83396T>C, p.Ile27799Thr (NM_001256850.1); c.61124T>C, p.Ile20375Thr (NM_003319.4); c.80615T>C, p.Ile26872Thr (NM_133378.4); c.61499T>C, p.Ile20500Thr (NM_133432.3); c.61700T>C, p.Ile20567Thr (NM_133437.4); short protein forms I26872T, I20500T, I27799T, I20567T, I29440T, I20375T.
Identifiers: ClinVar variation 4982883 (VCV004982883.1).